The following is an entry in ClinVar:

ClinVar aggregate classification (germline): Uncertain significance (1 of 4 stars; one submission).

Submission:

Labcorp Genetics (formerly Invitae), Labcorp
Classification: Uncertain significance. Last evaluated: 2025-12-17. Review status: criteria provided, single submitter. Criteria: Invitae Variant Classification Sherloc (09022015). Collection method: clinical testing. Allele origin: germline.
Comment: This sequence change replaces arginine, which is basic and polar, with cysteine, which is neutral and slightly polar, at codon 157 of the GANAB protein (p.Arg157Cys). This variant is present in population databases (rs748138975, gnomAD 0.003%). This variant has not been reported in the literature in individuals affected with GANAB-related conditions. Invitae Evidence Modeling of protein sequence and biophysical properties (such as structural, functional, and spatial information, amino acid conservation, physicochemical variation, residue mobility, and thermodynamic stability) has been performed for this missense variant. However, the output from this modeling did not meet the statistical confidence thresholds required to predict the impact of this variant on GANAB protein function. In summary, the available evidence is currently insufficient to determine the role of this variant in disease. Therefore, it has been classified as a Variant of Uncertain Significance.

NM_198334.3(GANAB):c.469C>T (p.Arg157Cys)

Gene: GANAB (glucosidase II alpha subunit; minus strand). Cytogenetic location: 11q12.3.
Variant type: single nucleotide variant.
Coding change: c.469C>T on transcript NM_198334.3 (MANE Select); coding-DNA position 469, C replaced by T.
Protein change: p.Arg157Cys; replaces arginine 157 with cysteine.
Molecular consequence: missense variant. On other transcripts: 5 prime UTR variant (2).
Genome position (GRCh38, 1-based): chr11:62,634,912, G>A on the plus strand (C>T on the coding strand, the complement: GANAB is on the minus strand). VCF-style: chr11-62634912-G-A. GRCh37 (hg19) VCF-style: chr11-62402384-G-A.
Other names: c.127C>T, p.Arg43Cys (NM_001278192.2, NM_001278193.2); c.178C>T, p.Arg60Cys (NM_001278194.2, NM_001329222.2, NM_001329223.2); c.-308C>T (NM_001329224.2, NM_001329225.2); c.469C>T, p.Arg157Cys (NM_198335.4); short protein forms R157C, R60C, R43C.
Identifiers: ClinVar variation 4697577 (VCV004697577.1).